The following is an entry in ClinVar:

NM_052963.3(TOP1MT):c.985_987del (p.Lys329del)

Gene: TOP1MT (DNA topoisomerase I mitochondrial; minus strand). Cytogenetic location: 8q24.3.
Variant type: Deletion.
Coding change: c.985_987del on transcript NM_052963.3 (MANE Select); coding-DNA positions 985 to 987, 3 bases deleted (AAG; older notation c.985_987delAAG).
Protein change: p.Lys329del; deletes lysine 329.
Molecular consequence: inframe deletion.
Genome position (GRCh38, 1-based): chr8:143,321,360-143,321,362, CTT deleted on the plus strand (AAG on the coding strand, the reverse complement: TOP1MT is on the minus strand); deleting any 3 consecutive bases within chr8:143,321,360-143,321,364 gives the same sequence; the c. name uses the placement nearest the transcript's 3' end. VCF-style (leftmost placement, unchanged base first): chr8-143321359-CCTT-C. GRCh37 (hg19) VCF-style: chr8-144403529-CCTT-C.
Other names: c.691_693del, p.Lys231del (NM_001258446.1, NM_001258447.1); short protein forms K231del, K329del.
Identifiers: ClinVar variation 2724544 (VCV002724544.3), dbSNP rs778053582, ClinGen allele CA4908572.

ClinVar aggregate classification (germline): Uncertain significance (1 of 4 stars; one submission).

Submission:

Labcorp Genetics (formerly Invitae), Labcorp
Classification: Uncertain significance. Last evaluated: 2024-12-09. Review status: criteria provided, single submitter. Criteria: Invitae Variant Classification Sherloc (09022015). Collection method: clinical testing. Allele origin: germline.
Comment: This variant, c.985_987del, results in the deletion of 1 amino acid(s) of the TOP1MT protein (p.Lys329del), but otherwise preserves the integrity of the reading frame. This variant is present in population databases (rs778053582, gnomAD 0.03%). This variant has not been reported in the literature in individuals affected with TOP1MT-related conditions. ClinVar contains an entry for this variant (Variation ID: 2724544). Experimental studies and prediction algorithms are not available or were not evaluated, and the functional significance of this variant is currently unknown. In summary, the available evidence is currently insufficient to determine the role of this variant in disease. Therefore, it has been classified as a Variant of Uncertain Significance.